The following is an entry in ClinVar:

ClinVar aggregate classification (germline): Likely benign (1 of 4 stars; one submission).

Submission:

CeGaT Center for Human Genetics Tuebingen
Classification: Likely benign. Last evaluated: 2022-11-01. Review status: criteria provided, single submitter. Criteria: CeGaT Center For Human Genetics Tuebingen Variant Classification Criteria Version 2. Collection method: clinical testing. Allele origin: germline. Affected: yes. Observed: 1 variant allele.
Comment: TSPYL2: BS2

NM_022117.4(TSPYL2):c.1918+17_1918+18insAC

Gene: TSPYL2 (TSPY like 2; plus strand). Cytogenetic location: Xp11.22.
Variant type: Insertion.
Coding change: c.1918+17_1918+18insAC on transcript NM_022117.4 (MANE Select); bases 17 to 18 of the intron after coding-DNA position 1918, AC inserted.
Molecular consequence: intron variant.
Genome position: GRCh38 VCF-style: chrX-53086326-C-CCA. GRCh37 (hg19) VCF-style: chrX-53115508-C-CCA.
Identifiers: ClinVar variation 2660582 (VCV002660582.24), dbSNP rs782793051, ClinGen allele CA10418945.